The following is an entry in ClinVar:

ClinVar aggregate classification (germline): Uncertain significance (1 of 4 stars; one submission).

Conditions:
Oligodontia-cancer predisposition syndrome. Also called: TOOTH AGENESIS-COLORECTAL CANCER SYNDROME. Identifiers: Orphanet 300576, MedGen C1837750, MONDO:0012075, OMIM 608615. Disease mechanism: loss of function.

Allele frequency attached by ClinVar (database versions not stated): gnomAD exomes below 0.00001.

Submission:

Labcorp Genetics (formerly Invitae), Labcorp
Classification: Uncertain significance for Oligodontia-cancer predisposition syndrome. Last evaluated: 2022-04-03. Review status: criteria provided, single submitter. Criteria: Invitae Variant Classification Sherloc (09022015). Collection method: clinical testing. Allele origin: germline.
Comment: In summary, the available evidence is currently insufficient to determine the role of this variant in disease. Therefore, it has been classified as a Variant of Uncertain Significance. Algorithms developed to predict the effect of missense changes on protein structure and function (SIFT, PolyPhen-2, Align-GVGD) all suggest that this variant is likely to be tolerated. This variant has not been reported in the literature in individuals affected with AXIN2-related conditions. This variant is not present in population databases (gnomAD no frequency). This sequence change replaces alanine, which is neutral and non-polar, with serine, which is neutral and polar, at codon 743 of the AXIN2 protein (p.Ala743Ser).

NM_004655.4(AXIN2):c.2227G>T (p.Ala743Ser)

Gene: AXIN2 (axin 2; minus strand). Cytogenetic location: 17q24.1.
Variant type: single nucleotide variant.
Coding change: c.2227G>T on transcript NM_004655.4 (MANE Select); coding-DNA position 2227, G replaced by T.
Protein change: p.Ala743Ser; replaces alanine 743 with serine.
Molecular consequence: missense variant.
Genome position (GRCh38, 1-based): chr17:65,535,636, C>A on the plus strand (G>T on the coding strand, the complement: AXIN2 is on the minus strand). VCF-style: chr17-65535636-C-A. GRCh37 (hg19) VCF-style: chr17-63531754-C-A.
Other names: c.2032G>T, p.Ala678Ser (NM_001363813.1); short protein forms A743S, A678S.
Identifiers: ClinVar variation 2121016 (VCV002121016.4), dbSNP rs2144432316, ClinGen allele CA400675715.